The following is an entry in ClinVar:

NM_032436.4(CHAMP1):c.2409T>G (p.Leu803=)

Gene: CHAMP1 (chromosome alignment maintaining phosphoprotein 1; plus strand). Cytogenetic location: 13q34.
Variant type: single nucleotide variant.
Coding change: c.2409T>G on transcript NM_032436.4 (MANE Select); coding-DNA position 2409, T replaced by G.
Protein change: p.Leu803=; no amino-acid change (leucine 803 retained).
Molecular consequence: synonymous variant.
Genome position (GRCh38, 1-based): chr13:114,326,251, T>G. VCF-style: chr13-114326251-T-G. GRCh37 (hg19) VCF-style: chr13-115091726-T-G.
Other names: c.2409T>G, p.Leu803= (NM_001164144.3, NM_001164145.3).
Identifiers: ClinVar variation 773276 (VCV000773276.35), dbSNP rs149344812, ClinGen allele CA7070980.

ClinVar aggregate classification (germline): Benign/Likely benign. Review status: criteria provided, multiple submitters, no conflicts (2 of 4 stars). 3 submissions from 3 submitters: Benign (2); Likely benign (1). Last evaluated 2026-08-01.

Allele frequency attached by ClinVar (database versions not stated): gnomAD 0.00238 and 0.00225; gnomAD exomes 0.00268; ESP Exome Variant Server 0.00277; ExAC 0.00286; 1000 Genomes Project 0.00040; 1000 Genomes Project 30x 0.00047; TOPMed 0.00230.

Submissions (3):

CeGaT Center for Human Genetics Tuebingen
Classification: Likely benign. Last evaluated: 2026-08-01. Review status: criteria provided, single submitter. Criteria: CeGaT Center For Human Genetics Tuebingen Variant Classification Criteria Version 2. Collection method: clinical testing. Allele origin: germline. Affected: yes. Observed: 13 variant alleles.
Comment: CHAMP1: BP4, BP7

Labcorp Genetics (formerly Invitae), Labcorp
Classification: Benign. Last evaluated: 2019-12-31. Review status: criteria provided, single submitter. Criteria: Invitae Variant Classification Sherloc (09022015). Collection method: clinical testing. Allele origin: germline.

Breakthrough Genomics
Classification: Benign. Review status: criteria provided, single submitter. Criteria: ACMG Guidelines, 2015. Collection method: not provided. Allele origin: germline. Inheritance: Autosomal dominant inheritance. Affected: yes.